The following is an entry in ClinVar:

NM_001110556.2(FLNA):c.3092T>C (p.Val1031Ala)

Gene: FLNA (filamin A; minus strand). Cytogenetic location: Xq28.
Variant type: single nucleotide variant.
Coding change: c.3092T>C on transcript NM_001110556.2 (MANE Select); coding-DNA position 3092, T replaced by C.
Protein change: p.Val1031Ala; replaces valine 1031 with alanine.
Molecular consequence: missense variant.
Genome position (GRCh38, 1-based): chrX:154,361,423, A>G on the plus strand (T>C on the coding strand, the complement: FLNA is on the minus strand). VCF-style: chrX-154361423-A-G. GRCh37 (hg19) VCF-style: chrX-153589791-A-G.
Other names: c.3092T>C, p.Val1031Ala (NM_001456.4); short protein forms V1031A.
Identifiers: ClinVar variation 996944 (VCV000996944.1), dbSNP rs782663281, ClinGen allele CA10560781.

ClinVar aggregate classification (germline): Uncertain significance (1 of 4 stars; one submission).

Conditions:
Heterotopia, periventricular, X-linked dominant (PVNH1). Also called: PERIVENTRICULAR NODULAR HETEROTOPIA 1; X-linked periventricular heterotopia; PERIVENTRICULAR NODULAR HETEROTOPIA 4; HETEROTOPIA, PERIVENTRICULAR, 1. Identifiers: Orphanet 2149, Orphanet 82004, MedGen C1848213, MONDO:0010233, OMIM 300049.

Allele frequency attached by ClinVar (database versions not stated): ExAC 0.00001; gnomAD 0.00001; gnomAD exomes 0.00001; TOPMed 0.00002.
gnomAD v4.1: 1 of 1,208,624 alleles (0.000083%); highest among the groups gnomAD compares: African/African-American, 0.0018%; no homozygotes.

Submission:

New York Genome Center
Classification: Uncertain significance for Heterotopia, periventricular, X-linked dominant. Last evaluated: 2020-05-14. Review status: criteria provided, single submitter. Criteria: NYGC Assertion Criteria 2020. Collection method: clinical testing. Allele origin: maternal. Inheritance: X-linked inheritance. Observed: 1 hemizygote. Study: CSER-NYCKidSeq. Segregation with disease not observed.
Comment: The variant has 0.000009561 allele frequency in gnomAD database (1 heterozygote out of 104,591 alleles, no hemizygote) indicating that it is an extremely rare allele in the general population. The affected residue is not well conserved. The variant is predicted deleterious by multiple in silico prediction tools. Based on the current evidence, the p.Val1031Ala variant in the FLNA gene is assessed as a variant of uncertain significance.